The following is an entry in ClinVar:

NM_004055.5(CAPN5):c.650G>T (p.Arg217Leu)

Gene: CAPN5 (calpain 5; plus strand). Cytogenetic location: 11q13.5.
Variant type: single nucleotide variant.
Coding change: c.650G>T on transcript NM_004055.5 (MANE Select); coding-DNA position 650, G replaced by T.
Protein change: p.Arg217Leu; replaces arginine 217 with leucine.
Molecular consequence: missense variant.
Genome position (GRCh38, 1-based): chr11:77,114,385, G>T. VCF-style: chr11-77114385-G-T. GRCh37 (hg19) VCF-style: chr11-76825431-G-T.
Other names: c.650G>T (NM_004055.4); short protein forms R217L.
Identifiers: ClinVar variation 1917587 (VCV001917587.6), dbSNP rs202032027, ClinGen allele CA6196497.
Genomic context (GRCh38, chr11:77,114,385, plus strand): 5'-TCGACCTGACCGAGGGTGACTTTGCCAACGATGAGACTAAGAGGAACCAGCTCTTTGAGC[G>T]CATGTTAAAGGTGCACAGCCGGGGCGGCCTCATCAGTGCCTCCATCAAGGTGAGAACACG-3'
Protein context (NP_004046.2, residues 207-227): DETKRNQLFE[Arg217Leu]MLKVHSRGGL

ClinVar aggregate classification (germline): Uncertain significance. Review status: criteria provided, multiple submitters, no conflicts (2 of 4 stars). 2 submissions from 2 submitters: Uncertain significance (2). Last evaluated 2025-04-24.

Conditions:
Inborn genetic diseases. Identifiers: MedGen C0950123, MeSH D030342.

gnomAD v4.1: 4 of 1,614,216 alleles (0.00025%); highest among the groups gnomAD compares: African/African-American, 0.004%; no homozygotes.

Submissions (2):

Ambry Genetics
Classification: Uncertain significance for Inborn genetic diseases. Last evaluated: 2025-04-24. Review status: criteria provided, single submitter. Criteria: Ambry Variant Classification Scheme 2023. Collection method: clinical testing. Allele origin: germline.

Labcorp Genetics (formerly Invitae), Labcorp
Classification: Uncertain significance. Last evaluated: 2024-02-24. Review status: criteria provided, single submitter. Criteria: Invitae Variant Classification Sherloc (09022015). Collection method: clinical testing. Allele origin: germline.
Comment: This sequence change replaces arginine, which is basic and polar, with leucine, which is neutral and non-polar, at codon 217 of the CAPN5 protein (p.Arg217Leu). This variant is present in population databases (rs202032027, gnomAD 0.0009%). This variant has not been reported in the literature in individuals affected with CAPN5-related conditions. ClinVar contains an entry for this variant (Variation ID: 1917587). Advanced modeling of protein sequence and biophysical properties (such as structural, functional, and spatial information, amino acid conservation, physicochemical variation, residue mobility, and thermodynamic stability) performed at Invitae indicates that this missense variant is not expected to disrupt CAPN5 protein function with a negative predictive value of 80%. In summary, the available evidence is currently insufficient to determine the role of this variant in disease. Therefore, it has been classified as a Variant of Uncertain Significance.